The following is an entry in ClinVar:

NC_000008.10:g.(?_87588032)_(87683346_?)del

Gene: CNGB3 (cyclic nucleotide gated channel subunit beta 3; minus strand). Cytogenetic location: 8q21.3.
Variant type: Deletion.
Identifiers: ClinVar variation 3245587 (VCV003245587.1).

ClinVar aggregate classification (germline): Pathogenic (1 of 4 stars; one submission).

Submission:

Labcorp Genetics (formerly Invitae), Labcorp
Classification: Pathogenic. Last evaluated: 2023-10-15. Review status: criteria provided, single submitter. Criteria: Invitae Variant Classification Sherloc (09022015). Collection method: clinical testing. Allele origin: unknown.
Comment: This variant is a gross deletion of the genomic region encompassing exon(s) 4-18 of the CNGB3 gene, which includes the termination codon. This deletion extends beyond the assayed region for this gene and therefore may encompass additional genes. While this deletion is not anticipated to lead to nonsense mediated decay, it is expected to alter mRNA translation or result in a truncated protein product. A similar copy number variant has been observed in individual(s) with achromatopsia (PMID: 32531858). This variant disrupts a region of the CNGB3 protein in which other variant(s) (p.Tyr483Asp) have been determined to be pathogenic (PMID: 28795510). This suggests that this is a clinically significant region of the protein, and that variants that disrupt it are likely to be disease-causing. For these reasons, this variant has been classified as Pathogenic.

Literature cited by the submitters: PubMed 32531858; PubMed 28795510.